The following is an entry in ClinVar:

ClinVar aggregate classification (germline): Uncertain significance. Review status: criteria provided, multiple submitters, no conflicts (2 of 4 stars). 3 submissions from 3 submitters: Uncertain significance (2). 1 of the submissions does not count toward it. Last evaluated 2025-12-24.

Conditions:
Short stature, rhizomelic, with microcephaly, micrognathia, and developmental delay (SSMG). Also called: SHORT STATURE-MICROGNATHIA SYNDROME. Identifiers: Orphanet 659702, MedGen C4310686, MONDO:0014948, OMIM 617164.
ARCN1-related disorder. Also called: ARCN1-related condition.

Allele frequency attached by ClinVar (database versions not stated): gnomAD 0.00001; TOPMed 0.00001.

Submissions (3):

Dasa
Classification: Uncertain significance for Short stature, rhizomelic, with microcephaly, micrognathia, and developmental delay. Last evaluated: 2025-12-24. Review status: criteria provided, single submitter. Criteria: DASA Assertion Criteria. Collection method: clinical testing. Allele origin: germline.
Comment: NM_001655.5(ARCN1):c.805A>G (p.Ile269Val) is a missense variant that results in the substitution of isoleucine with valine. This variant is rare in population databases. Computational prediction algorithms are consistent with a benign effect. The currently available literature and clinical evidence are not sufficient to establish a definitive association between this variant and the reported condition. Therefore, this variant is classified as a variant of uncertain significance.

Labcorp Genetics (formerly Invitae), Labcorp
Classification: Uncertain significance. Last evaluated: 2024-02-05. Review status: criteria provided, single submitter. Criteria: Invitae Variant Classification Sherloc (09022015). Collection method: clinical testing. Allele origin: germline.
Comment: This sequence change replaces isoleucine, which is neutral and non-polar, with valine, which is neutral and non-polar, at codon 269 of the ARCN1 protein (p.Ile269Val). This variant is not present in population databases (gnomAD no frequency). This variant has not been reported in the literature in individuals affected with ARCN1-related conditions. ClinVar contains an entry for this variant (Variation ID: 1371910). Algorithms developed to predict the effect of missense changes on protein structure and function output the following: SIFT: "Not Available"; PolyPhen-2: "Benign"; Align-GVGD: "Not Available". The valine amino acid residue is found in multiple mammalian species, which suggests that this missense change does not adversely affect protein function. In summary, the available evidence is currently insufficient to determine the role of this variant in disease. Therefore, it has been classified as a Variant of Uncertain Significance.

PreventionGenetics, part of Exact Sciences
Classification: Uncertain significance for ARCN1-related condition. Last evaluated: 2023-11-14. Review status: no assertion criteria provided. Collection method: clinical testing. Allele origin: germline. Not counted in ClinVar's aggregate classification.
Comment: The ARCN1 c.805A>G variant is predicted to result in the amino acid substitution p.Ile269Val. To our knowledge, this variant has not been reported in the literature or in a large population database, indicating this variant is rare. At this time, the clinical significance of this variant is uncertain due to the absence of conclusive functional and genetic evidence.

NM_001655.5(ARCN1):c.805A>G (p.Ile269Val)

Gene: ARCN1 (archain 1 coat protein complex I subunit delta; plus strand). Cytogenetic location: 11q23.3.
Variant type: single nucleotide variant.
Coding change: c.805A>G on transcript NM_001655.5 (MANE Select); coding-DNA position 805, A replaced by G.
Protein change: p.Ile269Val; replaces isoleucine 269 with valine.
Molecular consequence: missense variant.
Genome position (GRCh38, 1-based): chr11:118,584,631, A>G. VCF-style: chr11-118584631-A-G. GRCh37 (hg19) VCF-style: chr11-118455346-A-G.
Other names: c.805A>G (NM_001655.4); c.541A>G, p.Ile181Val (NM_001142281.2); short protein forms I181V, I269V.
Identifiers: ClinVar variation 1371910 (VCV001371910.10), dbSNP rs941412753, ClinGen allele CA229541829.